The following is an entry in ClinVar:

NM_001916.5(CYC1):c.744C>A (p.Ile248=)

Gene: CYC1 (cytochrome c1; plus strand). Cytogenetic location: 8q24.3.
Variant type: single nucleotide variant.
Coding change: c.744C>A on transcript NM_001916.5 (MANE Select); coding-DNA position 744, C replaced by A.
Protein change: p.Ile248=; no amino-acid change (isoleucine 248 retained).
Molecular consequence: synonymous variant.
Genome position (GRCh38, 1-based): chr8:144,096,716, C>A. VCF-style: chr8-144096716-C-A. GRCh37 (hg19) VCF-style: chr8-145151619-C-A.
Identifiers: ClinVar variation 2658969 (VCV002658969.24), dbSNP rs1259920872, ClinGen allele CA463426106.
Genomic context (GRCh38, chr8:144,096,716, plus strand): 5'-GGAAGGTCTCTACTTCAACCCCTACTTTCCTGGCCAGGCCATTGCCATGGCCCCTCCCAT[C>A]TACACAGATGTCTTAGAGTTTGACGATGGTAAGAGGCCTCCAGTCTGGCAGTGGGCATGT-3'
Protein context (NP_001907.3, residues 238-258): PGQAIAMAPP[Ile248=]YTDVLEFDDG

ClinVar aggregate classification (germline): Likely benign (1 of 4 stars; one submission).

Submission:

CeGaT Center for Human Genetics Tuebingen
Classification: Likely benign. Last evaluated: 2022-07-01. Review status: criteria provided, single submitter. Criteria: CeGaT Center For Human Genetics Tuebingen Variant Classification Criteria Version 2. Collection method: clinical testing. Allele origin: germline. Affected: yes. Observed: 1 variant allele.
Comment: CYC1: PM2:Supporting, BP4, BP7